The following is an entry in ClinVar:

NC_000001.10:g.(?_150048291)_(150082762_?)dup

Gene: VPS45 (vacuolar protein sorting 45 homolog; plus strand). Cytogenetic location: 1q21.2.
Variant type: Duplication.
Identifiers: ClinVar variation 1433409 (VCV001433409.3).

ClinVar aggregate classification (germline): Uncertain significance (1 of 4 stars; one submission).

Conditions:
Congenital neutropenia-myelofibrosis-nephromegaly syndrome. Also called: Severe congenital neutropenia 5, autosomal recessive. Identifiers: Orphanet 369852, MedGen C3809031, MONDO:0014118, OMIM 615285.

Submission:

Labcorp Genetics (formerly Invitae), Labcorp
Classification: Uncertain significance for Congenital neutropenia-myelofibrosis-nephromegaly syndrome. Last evaluated: 2021-11-17. Review status: criteria provided, single submitter. Criteria: Invitae Variant Classification Sherloc (09022015). Collection method: clinical testing. Allele origin: germline.
Comment: This variant results in a copy number gain of the genomic region encompassing exon(s) 4-14 of the VPS45 gene. While the exact position of this variant cannot be determined from the data, sub-genic copy number gains are generally in tandem (PMID: 25640679). This variant is predicted to be out-of-frame, and may result in an absent or disrupted protein product. However, the current clinical and genetic evidence is not sufficient to establish whether loss-of-function variants in VPS45 cause disease. This variant has not been reported in the literature in individuals affected with VPS45-related conditions. In summary, the available evidence is currently insufficient to determine the role of this variant in disease. Therefore, it has been classified as a Variant of Uncertain Significance.

Literature cited by the submitters: PubMed 25640679.